The following is an entry in ClinVar:

ClinVar aggregate classification (germline): Uncertain significance (1 of 4 stars; one submission).

Conditions:
Hereditary cancer-predisposing syndrome. Also called: Hereditary neoplastic syndrome; Hereditary Cancer Syndrome; Neoplastic Syndromes, Hereditary; Tumor predisposition. Identifiers: Orphanet 140162, MedGen C0027672, MeSH D009386, MONDO:0015356.

Submission:

Ambry Genetics
Classification: Uncertain significance for Hereditary cancer-predisposing syndrome. Last evaluated: 2023-05-28. Review status: criteria provided, single submitter. Criteria: Ambry Variant Classification Scheme 2023. Collection method: clinical testing. Allele origin: germline.
Comment: The p.M757I variant (also known as c.2271G>A), located in coding exon 16 of the KIT gene, results from a G to A substitution at nucleotide position 2271. The methionine at codon 757 is replaced by isoleucine, an amino acid with highly similar properties. This amino acid position is conserved. In addition, this alteration is predicted to be tolerated by in silico analysis. Since supporting evidence is limited at this time, the clinical significance of this alteration remains unclear.

NM_000222.3(KIT):c.2271G>A (p.Met757Ile)

Gene: KIT (KIT proto-oncogene, receptor tyrosine kinase; plus strand). Cytogenetic location: 4q12.
Variant type: single nucleotide variant.
Coding change: c.2271G>A on transcript NM_000222.3 (MANE Select); coding-DNA position 2271, G replaced by A.
Protein change: p.Met757Ile; replaces methionine 757 with isoleucine.
Molecular consequence: missense variant.
Genome position (GRCh38, 1-based): chr4:54,731,908, G>A. VCF-style: chr4-54731908-G-A. GRCh37 (hg19) VCF-style: chr4-55598074-G-A.
Other names: c.2259G>A, p.Met753Ile (NM_001093772.2, NM_001385292.1); c.2274G>A, p.Met758Ile (NM_001385284.1); c.2268G>A, p.Met756Ile (NM_001385285.1); c.2256G>A, p.Met752Ile (NM_001385286.1); c.2262G>A, p.Met754Ile (NM_001385288.1); c.2271G>A, p.Met757Ile (NM_001385290.1); short protein forms M754I, M758I, M752I, M753I, M757I, M756I.
Identifiers: ClinVar variation 2568315 (VCV002568315.2), dbSNP rs2109795249, ClinGen allele CA356910892.